The following is an entry in ClinVar:

ClinVar aggregate classification (germline): Uncertain significance (1 of 4 stars; one submission).

Conditions:
Familial adenomatous polyposis 1 (FAP1). Also called: POLYPOSIS, ADENOMATOUS INTESTINAL; FAMILIAL ADENOMATOUS POLYPOSIS 1, ATTENUATED. Identifiers: MedGen C2713442, MONDO:0021056, OMIM 175100. Disease mechanism: loss of function.

Submission:

Labcorp Genetics (formerly Invitae), Labcorp
Classification: Uncertain significance for Familial adenomatous polyposis 1. Last evaluated: 2023-08-10. Review status: criteria provided, single submitter. Criteria: Invitae Variant Classification Sherloc (09022015). Collection method: clinical testing. Allele origin: germline.
Comment: This variant occurs in a non-coding region of the APC gene. It does not change the encoded amino acid sequence of the APC protein. This variant is not present in population databases (gnomAD no frequency). In summary, the available evidence is currently insufficient to determine the role of this variant in disease. Therefore, it has been classified as a Variant of Uncertain Significance. Experimental studies and prediction algorithms are not available or were not evaluated, and the functional significance of this variant is currently unknown. This variant has not been reported in the literature in individuals affected with APC-related conditions.

NC_000005.10:g.112707428C>A

Gene: APC (APC regulator of Wnt signaling pathway; plus strand). Cytogenetic location: 5q22.2.
Variant type: single nucleotide variant.
Genome position: GRCh38 VCF-style: chr5-112707428-C-A. GRCh37 (hg19) VCF-style: chr5-112043125-C-A.
Identifiers: ClinVar variation 1487850 (VCV001487850.7), dbSNP rs2149628664, ClinGen allele CA2573138757.